The following is an entry in ClinVar:

ClinVar aggregate classification (germline): Likely benign (0 of 4 stars; one submission).

Conditions:
LRP1B-related disorder. Also called: LRP1B-related condition.

Allele frequency attached by ClinVar (database versions not stated): ExAC 0.00021; ESP Exome Variant Server 0.00031; gnomAD 0.00045; 1000 Genomes Project 0.00140; 1000 Genomes Project 30x 0.00187.
gnomAD v4.1: 168 of 1,580,102 alleles (0.011%); highest among the groups gnomAD compares: African/African-American, 0.21%; no homozygotes.

Submission:

PreventionGenetics, part of Exact Sciences
Classification: Likely benign for LRP1B-related condition. Last evaluated: 2019-06-04. Review status: no assertion criteria provided. Collection method: clinical testing. Allele origin: germline.
Comment: This variant is classified as likely benign based on ACMG/AMP sequence variant interpretation guidelines (Richards et al. 2015 PMID: 25741868, with internal and published modifications).

NM_018557.3(LRP1B):c.10865G>C (p.Gly3622Ala)

Gene: LRP1B (LDL receptor related protein 1B; minus strand). Cytogenetic location: 2q22.1.
Variant type: single nucleotide variant.
Coding change: c.10865G>C on transcript NM_018557.3 (MANE Select); coding-DNA position 10865, G replaced by C.
Protein change: p.Gly3622Ala; replaces glycine 3622 with alanine.
Molecular consequence: missense variant.
Genome position (GRCh38, 1-based): chr2:140,371,189, C>G on the plus strand (G>C on the coding strand, the complement: LRP1B is on the minus strand). VCF-style: chr2-140371189-C-G. GRCh37 (hg19) VCF-style: chr2-141128758-C-G.
Other names: short protein forms G3622A.
Identifiers: ClinVar variation 3043742 (VCV003043742.2), dbSNP rs72990625, ClinGen allele CA1893270.
Genomic context (GRCh38, chr2:140,371,189, plus strand): 5'-CAAACCTAATTCATGTAATTCAAATATTTTAATTAAACAATATATTTTACCTCATCTGAA[C>G]CATCAGCACAATCATATTCTCCATTACATTTCAAAGATGCTGAAATACATCCATCACTGG-3'
Protein context (NP_061027.2, residues 3612-3632): KCNGEYDCAD[Gly3622Ala]SDEMDCVTEC